The following is an entry in ClinVar:

ClinVar aggregate classification (germline): Uncertain significance (1 of 4 stars; one submission).

Conditions:
Hereditary cancer-predisposing syndrome. Also called: Tumor predisposition; Neoplastic Syndromes, Hereditary; Hereditary neoplastic syndrome; Hereditary Cancer Syndrome. Identifiers: Orphanet 140162, MedGen C0027672, MeSH D009386, MONDO:0015356.

Submission:

Ambry Genetics
Classification: Uncertain significance for Hereditary cancer-predisposing syndrome. Last evaluated: 2025-08-27. Review status: criteria provided, single submitter. Criteria: Ambry Variant Classification Scheme 2023. Collection method: clinical testing. Allele origin: germline.
Comment: The p.H482Q variant (also known as c.1446C>A), located in coding exon 14 of the MUTYH gene, results from a C to A substitution at nucleotide position 1446. The histidine at codon 482 is replaced by glutamine, an amino acid with highly similar properties. This amino acid position is conserved. In addition, this alteration is predicted to be tolerated by in silico analysis. Based on the available evidence, the clinical significance of this variant remains unclear.

NM_001048174.2(MUTYH):c.1362C>A (p.His454Gln)

Gene: MUTYH (mutY DNA glycosylase; minus strand). Cytogenetic location: 1p34.1.
Variant type: single nucleotide variant.
Coding change: c.1362C>A on transcript NM_001048174.2 (MANE Select); coding-DNA position 1362, C replaced by A.
Protein change: p.His454Gln; replaces histidine 454 with glutamine.
Molecular consequence: missense variant. On other transcripts: non-coding transcript variant (7).
Genome position (GRCh38, 1-based): chr1:45,331,212, G>T on the plus strand (C>A on the coding strand, the complement: MUTYH is on the minus strand). VCF-style: chr1-45331212-G-T. GRCh37 (hg19) VCF-style: chr1-45796884-G-T.
Other names: c.1395C>A, p.His465Gln (NM_001407077.1, NM_001293191.2, NM_001407069.1); c.1365C>A, p.His455Gln (NM_001407078.1, NM_001407086.1, NM_001048172.2 and 1 more transcripts); c.1323C>A, p.His441Gln (NM_001407079.1); c.1320C>A, p.His440Gln (NM_001407080.1); c.1362C>A, p.His454Gln (NM_001407081.1, NM_001407088.1, NM_001407089.1 and 6 more transcripts); c.1017C>A, p.His339Gln (NM_001407082.1, NM_001350650.2, NM_001350651.2); c.1404C>A, p.His468Gln (NM_001407083.1, NM_001407085.1); c.1383C>A, p.His461Gln (NM_001407087.1); and 5 more; short protein forms H455Q, H468Q, H482Q, H362Q, H440Q, H454Q, H461Q, H465Q.
Identifiers: ClinVar variation 4113258 (VCV004113258.1).
Genomic context (GRCh38, chr1:45,331,212, plus strand): 5'-GAAGTACAACAAAGACAACAAAGGTAGTGCCTTTTTCATGGCGGTGGAAACAGCTGCGGT[G>T]TGAAATTCCTCCTGCGTCAGCCAGCGAGCACCTGGTGGTACGGTGGTCACTGGGGTCTGC-3'
Protein context (NP_001041639.1, residues 444-464): GARWLTQEEF[His454Gln]TAAVSTAMKK